The following is an entry in ClinVar:

NM_000312.4(PROC):c.263-4G>A

Gene: PROC (protein C, inactivator of coagulation factors Va and VIIIa; plus strand). Cytogenetic location: 2q14.3.
Variant type: single nucleotide variant.
Coding change: c.263-4G>A on transcript NM_000312.4 (MANE Select); 4 bases into the intron before coding-DNA position 263, G replaced by A.
Molecular consequence: intron variant. On other transcripts: synonymous variant (1).
Genome position (GRCh38, 1-based): chr2:127,423,030, G>A. VCF-style: chr2-127423030-G-A. GRCh37 (hg19) VCF-style: chr2-128180606-G-A.
Other names: c.414G>A, p.Ser138= (NM_001375606.1); c.263-4G>A (NM_001375611.1, NM_001375605.1, NM_001375608.1 and 1 more transcripts); c.446-4G>A (NM_001375602.1); c.347-4G>A (NM_001375607.1); c.257-4G>A (NM_001375610.1); c.326-4G>A (NM_001375603.1, NM_001375604.1); c.239-4G>A (NM_001375609.1).
Identifiers: ClinVar variation 696503 (VCV000696503.13), dbSNP rs373494631, ClinGen allele CA1859307.

ClinVar aggregate classification (germline): Likely benign. Review status: criteria provided, multiple submitters, no conflicts (2 of 4 stars). 4 submissions from 4 submitters: Likely benign (3). 1 of the submissions does not count toward it. Last evaluated 2026-09-23.

Conditions:
Thrombophilia due to protein C deficiency, autosomal dominant. Also called: PROC DEFICIENCY, AUTOSOMAL DOMINANT; PROTEIN C DEFICIENCY, AUTOSOMAL DOMINANT. Identifiers: Orphanet 745, MedGen C2674321, MONDO:0008316, OMIM 176860. Disease mechanism: loss of function.
PROC-related disorder. Also called: PROC-related condition.
Reduced protein C activity. Identifiers: MedGen C0398625, MeSH D020151, HP:0005543.

Allele frequency attached by ClinVar (database versions not stated): ExAC 0.00011; gnomAD exomes 0.00016; gnomAD 0.00022 and 0.00024; TOPMed 0.00025; ESP Exome Variant Server 0.00031.

Submissions (4):

PreventionGenetics, part of Exact Sciences
Classification: Likely benign for PROC-related condition. Last evaluated: 2026-09-23. Review status: criteria provided, single submitter. Criteria: ACMG Guidelines, 2015. Collection method: clinical testing. Allele origin: germline.
Comment: This variant is classified as likely benign based on ACMG/AMP sequence variant interpretation guidelines (Richards et al. 2015 PMID: 25741868, with internal and published modifications).

Labcorp Genetics (formerly Invitae), Labcorp
Classification: Likely benign for Thrombophilia due to protein C deficiency, autosomal dominant. Last evaluated: 2026-01-20. Review status: criteria provided, single submitter. Criteria: Invitae Variant Classification Sherloc (09022015). Collection method: clinical testing. Allele origin: germline.

Women's Health and Genetics/Laboratory Corporation of America, LabCorp
Classification: Likely benign. Last evaluated: 2025-12-23. Review status: criteria provided, single submitter. Criteria: LabCorp Variant Classification Summary - May 2015. Collection method: clinical testing. Allele origin: germline.
Comment: Variant summary: PROC c.263-4G>A alters a conserved nucleotide located at a position not widely known to affect splicing. Consensus agreement among computation tools predict no significant impact on normal splicing. However, these predictions have yet to be confirmed by functional studies. The variant allele was found at a frequency of 0.00016 in 245024 control chromosomes (gnomAD). This frequency is not significantly higher than estimated for disease-causing variants in PROC, allowing no conclusion about variant significance. c.263-4G>A has been observed in an individual affected with Protein C Deficiency without strong evidence of causality (Reitsma_1995). These report(s) do not provide unequivocal conclusions about association of the variant with Thrombophilia Due To Protein C Deficiency, Autosomal Dominant. To our knowledge, no experimental evidence demonstrating an impact on protein function has been reported. The following publication has been ascertained in the context of this evaluation (PMID: 7482420). ClinVar contains an entry for this variant (Variation ID: 696503). Based on the evidence outlined above, the variant was classified as likely benign.

ISTH-SSC Genomics in Thrombosis and Hemostasis, KU Leuven, Center for Molecular and Vascular Biology
Classification: Uncertain significance for Reduced protein C activity. Review status: no assertion criteria provided. Collection method: clinical testing. Allele origin: unknown. Affected: yes. Not counted in ClinVar's aggregate classification.
Comment: Submitted to GoldVariant by Prof Kathleen Freson from Center for Molecular and Vascular Biology, Leuven, Belgium

Literature cited by the submitters: PubMed 7482420 (cited by Women's Health and Genetics/Laboratory Corporation of America, LabCorp).